The following is an entry in ClinVar:

NM_001374736.1(DST):c.19313C>T (p.Ala6438Val)

Gene: DST (dystonin; minus strand). Cytogenetic location: 6p12.1.
Variant type: single nucleotide variant.
Coding change: c.19313C>T on transcript NM_001374736.1 (MANE Select); coding-DNA position 19313, C replaced by T.
Protein change: p.Ala6438Val; replaces alanine 6438 with valine.
Molecular consequence: missense variant.
Genome position (GRCh38, 1-based): chr6:56,506,716, G>A on the plus strand (C>T on the coding strand, the complement: DST is on the minus strand). VCF-style: chr6-56506716-G-A. GRCh37 (hg19) VCF-style: chr6-56371514-G-A.
Other names: c.12956C>T, p.Ala4319Val (NM_001144769.5); c.12542C>T, p.Ala4181Val (NM_001144770.2); c.19313C>T, p.Ala6438Val (NM_001374722.1); c.18353C>T, p.Ala6118Val (NM_001374729.1); c.12095C>T, p.Ala4032Val (NM_001374730.1); c.19340C>T, p.Ala6447Val (NM_001374734.1); c.12422C>T, p.Ala4141Val (NM_001386100.1, NM_183380.4); c.11444C>T, p.Ala3815Val (NM_015548.5); short protein forms A4181V, A6438V, A3815V, A4032V, A4319V, A6118V, A6447V, A4141V.
Identifiers: ClinVar variation 1469319 (VCV001469319.6), dbSNP rs557684612, ClinGen allele CA139195187.
Genomic context (GRCh38, chr6:56,506,716, plus strand): 5'-GCCAGTTGTACCTCATCTATACTCTTCTTGACAATGGGTTTATCAGGCTCCCCACATGCC[G>A]CAATGAGTTCAGAACCTAGGTTAATAACTATATCCAGCTCCTCCTGTAGTCCATCTATTT-3'
Protein context (NP_001361665.1, residues 6428-6448): IVINLGSELI[Ala6438Val]ACGEPDKPIV

ClinVar aggregate classification (germline): Uncertain significance (1 of 4 stars; one submission).

Conditions:
Hereditary sensory and autonomic neuropathy type 6. Also called: HSAN VI; Neuropathy, hereditary sensory and autonomic, type VI. Identifiers: Orphanet 314381, MedGen C3539003, MONDO:0013839, OMIM 614653.
Epidermolysis bullosa simplex 3, localized or generalized intermediate, with BP230 deficiency (EBS3). Also called: Epidermolysis bullosa simplex, autosomal recessive 2; Epidermolysis bullosa simplex due to BP230 deficiency. Identifiers: Orphanet 412181, MedGen C3809470, MONDO:0014180, OMIM 615425.

Allele frequency attached by ClinVar (database versions not stated): gnomAD 0.00001 and 0.00002; TOPMed 0.00002.
gnomAD v4.1: 36 of 1,613,372 alleles (0.0022%); highest among the groups gnomAD compares: Non-Finnish European, 0.0028%; no homozygotes.

Submission:

Labcorp Genetics (formerly Invitae), Labcorp
Classification: Uncertain significance for Epidermolysis bullosa simplex 3, localized or generalized intermediate, with BP230 deficiency; Hereditary sensory and autonomic neuropathy type 6. Last evaluated: 2023-07-17. Review status: criteria provided, single submitter. Criteria: Invitae Variant Classification Sherloc (09022015). Collection method: clinical testing. Allele origin: germline.
Comment: In summary, the available evidence is currently insufficient to determine the role of this variant in disease. Therefore, it has been classified as a Variant of Uncertain Significance. Experimental studies and prediction algorithms are not available or were not evaluated, and the functional significance of this variant is currently unknown. This variant has not been reported in the literature in individuals affected with DST-related conditions. This variant is present in population databases (rs557684612, gnomAD 0.03%). This sequence change replaces alanine, which is neutral and non-polar, with valine, which is neutral and non-polar, at codon 3815 of the DST protein (p.Ala3815Val). The DST gene has multiple clinically relevant transcripts. This variant occurs in alternate transcript NM_015548.4, and corresponds to NM_001723.5:c.*108801C>T in the primary transcript.